The following is an entry in ClinVar:

ClinVar aggregate classification (germline): Conflicting classifications of pathogenicity. Review status: criteria provided, conflicting classifications (1 of 4 stars). 4 submissions from 4 submitters: Uncertain significance (2); Likely benign (1). 1 of the submissions does not count toward it. Last evaluated 2026-01-23.

Conditions:
HAND2-related disorder. Also called: HAND2-related condition.

Submissions (4):

Labcorp Genetics (formerly Invitae), Labcorp
Classification: Uncertain significance. Last evaluated: 2026-01-23. Review status: criteria provided, single submitter. Criteria: Invitae Variant Classification Sherloc (09022015). Collection method: clinical testing. Allele origin: germline.
Comment: This variant, c.70_96del, results in the deletion of 9 amino acid(s) of the HAND2 protein (p.Ala24_Ala32del), but otherwise preserves the integrity of the reading frame. The frequency data for this variant in the population databases is considered unreliable, as metrics indicate poor data quality at this position in the gnomAD database. This variant has not been reported in the literature in individuals affected with HAND2-related conditions. ClinVar contains an entry for this variant (Variation ID: 1374338). Experimental studies and prediction algorithms are not available or were not evaluated, and the functional significance of this variant is currently unknown. In summary, the available evidence is currently insufficient to determine the role of this variant in disease. Therefore, it has been classified as a Variant of Uncertain Significance.

Blueprint Genetics
Classification: Likely benign. Last evaluated: 2024-08-16. Review status: criteria provided, single submitter. Criteria: ACMG Guidelines, 2015. Collection method: clinical testing. Allele origin: germline.

Breakthrough Genomics
Classification: Uncertain significance. Review status: criteria provided, single submitter. Criteria: ACMG Guidelines, 2015. Collection method: not provided. Allele origin: germline. Inheritance: Unknown mechanism. Affected: yes.

PreventionGenetics, part of Exact Sciences
Classification: Likely benign for HAND2-related condition. Last evaluated: 2019-08-09. Review status: no assertion criteria provided. Collection method: clinical testing. Allele origin: germline. Not counted in ClinVar's aggregate classification.
Comment: This variant is classified as likely benign based on ACMG/AMP sequence variant interpretation guidelines (Richards et al. 2015 PMID: 25741868, with internal and published modifications).

NM_021973.3(HAND2):c.70_96del (p.Ala24_Ala32del)

Genes: HAND2 (heart and neural crest derivatives expressed 2; minus strand), HAND2-AS1 (HAND2 antisense RNA 1; plus strand). Cytogenetic location: 4q34.1.
Variant type: Deletion.
Coding change: c.70_96del on transcript NM_021973.3 (MANE Select); coding-DNA positions 70 to 96, 27 bases deleted (GCCGCCGCAGCTGCCGCCGCCGCCGCC).
Protein change: p.Ala24_Ala32del.
Molecular consequence: inframe deletion.
Genome position (GRCh38, 1-based): chr4:173,529,194-173,529,220, GGCGGCGGCGGCGGCAGCTGCGGCGGC deleted on the plus strand (GCCGCCGCAGCTGCCGCCGCCGCCGCC on the coding strand, the reverse complement: HAND2 is on the minus strand); deleting any 27 consecutive bases within chr4:173,529,194-173,529,229 gives the same sequence; the c. name uses the placement nearest the transcript's 3' end. VCF-style (leftmost placement, unchanged base first): chr4-173529193-TGGCGGCGGCGGCGGCAGCTGCGGCGGC-T. GRCh37 (hg19) VCF-style: chr4-174450344-TGGCGGCGGCGGCGGCAGCTGCGGCGGC-T.
Other names: c.70_96del27 (NM_021973.2).
Identifiers: ClinVar variation 1374338 (VCV001374338.10), dbSNP rs753612276, ClinGen allele CA3141363.